The following is an entry in ClinVar:

ClinVar aggregate classification (germline): Pathogenic (1 of 4 stars; one submission).

Submission:

Labcorp Genetics (formerly Invitae), Labcorp
Classification: Pathogenic. Last evaluated: 2025-11-11. Review status: criteria provided, single submitter. Criteria: Invitae Variant Classification Sherloc (09022015). Collection method: clinical testing. Allele origin: germline.
Comment: This sequence change creates a premature translational stop signal (p.Gln53Hisfs*91) in the RUNX2 gene. It is expected to result in an absent or disrupted protein product. Loss-of-function variants in RUNX2 are known to be pathogenic (PMID: 10521292, 11857736). This variant is not present in population databases (gnomAD no frequency). This variant has not been reported in the literature in individuals affected with RUNX2-related conditions. For these reasons, this variant has been classified as Pathogenic.

Literature cited by the submitters: PubMed 10521292; PubMed 11857736.

NM_001024630.4(RUNX2):c.159del (p.Gln53fs)

Genes: RUNX2 (RUNX family transcription factor 2; plus strand), LOC109611589 (runt related transcription factor 2 polyalanine expansion region; plus strand). Cytogenetic location: 6p21.1.
Variant type: Deletion.
Coding change: c.159del on transcript NM_001024630.4 (MANE Select); coding-DNA position 159, one base deleted (A; older notation c.159delA).
Protein change: p.Gln53fs; shifts the reading frame from glutamine 53.
Molecular consequence: frameshift variant.
Genome position (GRCh38, 1-based): chr6:45,422,693, A deleted; the last of 2 consecutive A bases (chr6:45,422,692-45,422,693); deleting either gives the same sequence. VCF-style (leftmost placement, unchanged base first): chr6-45422691-CA-C. GRCh37 (hg19) VCF-style: chr6-45390428-CA-C.
Other names: c.159del, p.Gln53fs (NM_001015051.4); c.117del, p.Gln39fs (NM_001278478.2, NM_001369405.1); short protein forms Q39fs, Q53fs.
Identifiers: ClinVar variation 4730490 (VCV004730490.1).